The following is an entry in ClinVar:

ClinVar aggregate classification (germline): Benign/Likely benign. Review status: criteria provided, multiple submitters, no conflicts (2 of 4 stars). 3 submissions from 3 submitters: Benign (2); Likely benign (1). Last evaluated 2024-11-26.

Submissions (3):

Blueprint Genetics
Classification: Likely benign. Last evaluated: 2024-11-26. Review status: criteria provided, single submitter. Criteria: ACMG Guidelines, 2015. Collection method: clinical testing. Allele origin: germline.

Mayo Clinic Laboratories, Mayo Clinic
Classification: Benign. Last evaluated: 2022-05-13. Review status: criteria provided, single submitter. Criteria: ACMG Guidelines, 2015. Collection method: clinical testing. Allele origin: germline. Observed: 1,006 variant alleles.
Comment: BS1, BS2, BP4, BP7

GeneDx
Classification: Benign. Last evaluated: 2021-06-19. Review status: criteria provided, single submitter. Criteria: GeneDx Variant Classification Process June 2021. Collection method: clinical testing. Allele origin: germline. Affected: yes.

NM_003126.4(SPTA1):c.1834-16_1834-14del

Gene: SPTA1 (spectrin alpha, erythrocytic 1; minus strand). Cytogenetic location: 1q23.1.
Variant type: Deletion.
Coding change: c.1834-16_1834-14del on transcript NM_003126.4 (MANE Select); 16 bases into the intron before coding-DNA position 1834 through 14 bases into the intron before coding-DNA position 1834, 3 bases deleted (TTT; older notation c.1834-16_1834-14delTTT).
Molecular consequence: intron variant.
Genome position (GRCh38, 1-based): chr1:158,668,076-158,668,078, AAA deleted on the plus strand (TTT on the coding strand, the reverse complement: SPTA1 is on the minus strand); deleting any 3 consecutive bases within chr1:158,668,076-158,668,091 gives the same sequence; the c. name uses the placement nearest the transcript's 3' end. VCF-style (leftmost placement, unchanged base first): chr1-158668075-GAAA-G. GRCh37 (hg19) VCF-style: chr1-158637865-GAAA-G.
Other names: p.?.
Identifiers: ClinVar variation 293028 (VCV000293028.7), dbSNP rs3039789, ClinGen allele CA1183589.